The following is an entry in ClinVar:

ClinVar aggregate classification (germline): Pathogenic (1 of 4 stars; one submission).

Conditions:
Neurofibromatosis, type 1 (NF1). Also called: NEUROFIBROMATOSIS, TYPE I, SOMATIC; VON RECKLINGHAUSEN DISEASE; Peripheral type neurofibromatosis; Neurofibromatosis, type I. Identifiers: Orphanet 636, MedGen C0027831, MONDO:0018975, OMIM 162200. Disease mechanism: loss of function.

Submission:

Labcorp Genetics (formerly Invitae), Labcorp
Classification: Pathogenic for Neurofibromatosis, type 1. Last evaluated: 2025-04-30. Review status: criteria provided, single submitter. Criteria: Invitae Variant Classification Sherloc (09022015). Collection method: clinical testing. Allele origin: germline.
Comment: This sequence change creates a premature translational stop signal (p.Lys428Glufs*3) in the NF1 gene. It is expected to result in an absent or disrupted protein product. Loss-of-function variants in NF1 are known to be pathogenic (PMID: 10712197, 23913538). This variant is not present in population databases (gnomAD no frequency). This variant has not been reported in the literature in individuals affected with NF1-related conditions. For these reasons, this variant has been classified as Pathogenic.

Literature cited by the submitters: PubMed 10712197; PubMed 23913538.

NM_001042492.3(NF1):c.1281_1282insG (p.Lys428fs)

Gene: NF1 (neurofibromin 1; plus strand). Cytogenetic location: 17q11.2.
Variant type: Insertion.
Coding change: c.1281_1282insG on transcript NM_001042492.3 (MANE Select); coding-DNA positions 1281 to 1282, G inserted.
Protein change: p.Lys428fs; shifts the reading frame from lysine 428.
Molecular consequence: frameshift variant.
Genome position: GRCh38 VCF-style: chr17-31206260-T-TG. GRCh37 (hg19) VCF-style: chr17-29533278-T-TG.
Other names: c.1281_1282insG, p.Lys428fs (NM_000267.4, NM_001128147.3); short protein forms K428fs.
Identifiers: ClinVar variation 4718644 (VCV004718644.1).